The following is an entry in ClinVar:

ClinVar aggregate classification (germline): Uncertain significance (1 of 4 stars; one submission).

Conditions:
Epidermolysis bullosa simplex 5C, with pyloric atresia (EBS5C). Also called: Epidermolysis bullosa simplex with pyloric atresia; PLEC-Related Epidermolysis Bullosa with Pyloric Atresia; PLEC1-Related Epidermolysis Bullosa with Pyloric Atresia. Identifiers: Orphanet 158684, MedGen C2677349, MONDO:0012807, OMIM 612138.
Epidermolysis bullosa simplex with nail dystrophy (EBS5D). Identifiers: MedGen C4225309, MONDO:0014661, OMIM 616487.
Epidermolysis bullosa simplex 5B, with muscular dystrophy (EBS5B). Also called: Epidermolysis bullosa simplex with muscular dystrophy; EPIDERMOLYSIS BULLOSA SIMPLEX AND LIMB-GIRDLE MUSCULAR DYSTROPHY. Identifiers: Orphanet 257, MedGen C2931072, MONDO:0009181, OMIM 226670.
Autosomal recessive limb-girdle muscular dystrophy type 2Q (LGMDR17). Also called: MUSCULAR DYSTROPHY, LIMB-GIRDLE, AUTOSOMAL RECESSIVE 17. Identifiers: Orphanet 254361, MedGen C3150989, MONDO:0013390, OMIM 613723.
Epidermolysis bullosa simplex, Ogna type (EBS5A). Also called: Pidermolysis bullosa simplex 5A, Ogna type; EPIDERMOLYSIS BULLOSA SIMPLEX 5A, OGNA TYPE. Identifiers: Orphanet 79401, MedGen C0432317, MONDO:0007555, OMIM 131950.

Submission:

Labcorp Genetics (formerly Invitae), Labcorp
Classification: Uncertain significance for Autosomal recessive limb-girdle muscular dystrophy type 2Q; Epidermolysis bullosa simplex, Ogna type; Epidermolysis bullosa simplex with nail dystrophy; Epidermolysis bullosa simplex 5C, with pyloric atresia; Epidermolysis bullosa simplex 5B, with muscular dystrophy. Last evaluated: 2021-06-22. Review status: criteria provided, single submitter. Criteria: Invitae Variant Classification Sherloc (09022015). Collection method: clinical testing. Allele origin: germline.
Comment: This sequence change replaces aspartic acid with glutamic acid at codon 269 of the PLEC protein (p.Asp269Glu). The aspartic acid residue is highly conserved and there is a small physicochemical difference between aspartic acid and glutamic acid. This variant is not present in population databases (ExAC no frequency). This variant has not been reported in the literature in individuals with PLEC-related conditions. Algorithms developed to predict the effect of missense changes on protein structure and function are either unavailable or do not agree on the potential impact of this missense change (SIFT: "Deleterious"; PolyPhen-2: "Not Available"; Align-GVGD: "Class C0"). In summary, the available evidence is currently insufficient to determine the role of this variant in disease. Therefore, it has been classified as a Variant of Uncertain Significance.

NM_201384.3(PLEC):c.726T>G (p.Asp242Glu)

Gene: PLEC (plectin; minus strand). Cytogenetic location: 8q24.3.
Variant type: single nucleotide variant.
Coding change: c.726T>G on transcript NM_201384.3 (MANE Select); coding-DNA position 726, T replaced by G.
Protein change: p.Asp242Glu; replaces aspartic acid 242 with glutamic acid.
Molecular consequence: missense variant.
Genome position (GRCh38, 1-based): chr8:143,935,110, A>C on the plus strand (T>G on the coding strand, the complement: PLEC is on the minus strand). VCF-style: chr8-143935110-A-C. GRCh37 (hg19) VCF-style: chr8-145009278-A-C.
Other names: c.807T>G, p.Asp269Glu (NM_000445.5); c.684T>G, p.Asp228Glu (NM_201378.4); c.660T>G, p.Asp220Glu (NM_201379.3); c.1137T>G, p.Asp379Glu (NM_201380.4); c.630T>G, p.Asp210Glu (NM_201381.3); c.726T>G, p.Asp242Glu (NM_201382.4); c.738T>G, p.Asp246Glu (NM_201383.3); short protein forms D269E, D220E, D242E, D246E, D210E, D228E, D379E.
Identifiers: ClinVar variation 1402438 (VCV001402438.8), dbSNP rs1554721921, ClinGen allele CA372587375.